The following is an entry in ClinVar:

NM_006182.4(DDR2):c.247C>G (p.Leu83Val)

Gene: DDR2 (discoidin domain receptor tyrosine kinase 2; plus strand). Cytogenetic location: 1q23.3.
Variant type: single nucleotide variant.
Coding change: c.247C>G on transcript NM_006182.4 (MANE Select); coding-DNA position 247, C replaced by G.
Protein change: p.Leu83Val; replaces leucine 83 with valine.
Molecular consequence: missense variant.
Genome position (GRCh38, 1-based): chr1:162,754,685, C>G. VCF-style: chr1-162754685-C-G. GRCh37 (hg19) VCF-style: chr1-162724475-C-G.
Other names: c.247C>G, p.Leu83Val (NM_001014796.3, NM_001354982.2, NM_001354983.2); short protein forms L83V.
Identifiers: ClinVar variation 2006429 (VCV002006429.5), dbSNP rs747479847, ClinGen allele CA343405112.

ClinVar aggregate classification (germline): Uncertain significance. Review status: criteria provided, multiple submitters, no conflicts (2 of 4 stars). 2 submissions from 2 submitters: Uncertain significance (2). Last evaluated 2025-09-24.

Conditions:
Warburg-cinotti syndrome. Identifiers: MedGen C5193019, MONDO:0032579, OMIM 618175.

gnomAD v4.1: 3 of 1,614,092 alleles (0.00019%); highest among the groups gnomAD compares: East Asian, 0.0067%; no homozygotes.

Submissions (2):

Genesolutions, Medical Genetics Institutes, Ho Chi Minh City, Vietnam
Classification: Uncertain significance for Warburg-cinotti syndrome. Last evaluated: 2025-09-24. Review status: criteria provided, single submitter. Criteria: ACMG Guidelines, 2015. Collection method: clinical testing. Allele origin: germline. Affected: yes.

Labcorp Genetics (formerly Invitae), Labcorp
Classification: Uncertain significance. Last evaluated: 2022-07-25. Review status: criteria provided, single submitter. Criteria: Invitae Variant Classification Sherloc (09022015). Collection method: clinical testing. Allele origin: germline.
Comment: This sequence change replaces leucine, which is neutral and non-polar, with valine, which is neutral and non-polar, at codon 83 of the DDR2 protein (p.Leu83Val). This variant is present in population databases (no rsID available, gnomAD 0.01%). This variant has not been reported in the literature in individuals affected with DDR2-related conditions. Algorithms developed to predict the effect of missense changes on protein structure and function are either unavailable or do not agree on the potential impact of this missense change (SIFT: "Deleterious"; PolyPhen-2: "Benign"; Align-GVGD: "Class C0"). In summary, the available evidence is currently insufficient to determine the role of this variant in disease. Therefore, it has been classified as a Variant of Uncertain Significance.